The following is an entry in ClinVar:

ClinVar aggregate classification (germline): Uncertain significance (1 of 4 stars; one submission).

Conditions:
Mucopolysaccharidosis type 7 (MPS7). Also called: GUSB DEFICIENCY; BETA-GLUCURONIDASE DEFICIENCY; MPS VII; SLY SYNDROME. Identifiers: Orphanet 584, MedGen C0085132, MONDO:0009662, OMIM 253220.

Allele frequency attached by ClinVar (database versions not stated): ExAC 0.00003; gnomAD exomes 0.00004.

Submission:

Labcorp Genetics (formerly Invitae), Labcorp
Classification: Uncertain significance for Mucopolysaccharidosis type 7. Last evaluated: 2022-04-09. Review status: criteria provided, single submitter. Criteria: Invitae Variant Classification Sherloc (09022015). Collection method: clinical testing. Allele origin: germline.
Comment: This sequence change replaces arginine, which is basic and polar, with histidine, which is basic and polar, at codon 374 of the GUSB protein (p.Arg374His). This variant is present in population databases (rs780716481, gnomAD 0.02%). This variant has not been reported in the literature in individuals affected with GUSB-related conditions. Algorithms developed to predict the effect of missense changes on protein structure and function are either unavailable or do not agree on the potential impact of this missense change (SIFT: "Deleterious"; PolyPhen-2: "Benign"; Align-GVGD: "Class C0"). In summary, the available evidence is currently insufficient to determine the role of this variant in disease. Therefore, it has been classified as a Variant of Uncertain Significance.

NM_000181.4(GUSB):c.1121G>A (p.Arg374His)

Gene: GUSB (glucuronidase beta; minus strand). Cytogenetic location: 7q11.21.
Variant type: single nucleotide variant.
Coding change: c.1121G>A on transcript NM_000181.4 (MANE Select); coding-DNA position 1121, G replaced by A.
Protein change: p.Arg374His; replaces arginine 374 with histidine.
Molecular consequence: missense variant. On other transcripts: non-coding transcript variant (1).
Genome position (GRCh38, 1-based): chr7:65,974,649, C>T on the plus strand (G>A on the coding strand, the complement: GUSB is on the minus strand). VCF-style: chr7-65974649-C-T. GRCh37 (hg19) VCF-style: chr7-65439636-C-T.
Other names: c.683G>A, p.Arg228His (NM_001284290.2); c.551G>A, p.Arg184His (NM_001293104.2); c.464G>A, p.Arg155His (NM_001293105.2); short protein forms R228H, R155H, R374H, R184H.
Identifiers: ClinVar variation 1427377 (VCV001427377.3), dbSNP rs780716481, ClinGen allele CA4276374.